The following is an entry in ClinVar:

NM_000361.3(THBD):c.1402C>T (p.Pro468Ser)

Gene: THBD (thrombomodulin; minus strand). Cytogenetic location: 20p11.21.
Variant type: single nucleotide variant.
Coding change: c.1402C>T on transcript NM_000361.3 (MANE Select); coding-DNA position 1402, C replaced by T.
Protein change: p.Pro468Ser; replaces proline 468 with serine.
Molecular consequence: missense variant.
Genome position (GRCh38, 1-based): chr20:23,048,103, G>A on the plus strand (C>T on the coding strand, the complement: THBD is on the minus strand). VCF-style: chr20-23048103-G-A. GRCh37 (hg19) VCF-style: chr20-23028740-G-A.
Other names: short protein forms P468S.
Identifiers: ClinVar variation 2856242 (VCV002856242.3), dbSNP rs1370115907, ClinGen allele CA408405589.

ClinVar aggregate classification (germline): Uncertain significance (1 of 4 stars; one submission).

Submission:

Labcorp Genetics (formerly Invitae), Labcorp
Classification: Uncertain significance. Last evaluated: 2025-05-15. Review status: criteria provided, single submitter. Criteria: Invitae Variant Classification Sherloc (09022015). Collection method: clinical testing. Allele origin: germline.
Comment: This sequence change replaces proline, which is neutral and non-polar, with serine, which is neutral and polar, at codon 468 of the THBD protein (p.Pro468Ser). This variant is present in population databases (no rsID available, gnomAD 0.007%). This variant has not been reported in the literature in individuals affected with THBD-related conditions. ClinVar contains an entry for this variant (Variation ID: 2856242). Invitae Evidence Modeling of protein sequence and biophysical properties (such as structural, functional, and spatial information, amino acid conservation, physicochemical variation, residue mobility, and thermodynamic stability) indicates that this missense variant is expected to disrupt THBD protein function with a positive predictive value of 80%. In summary, the available evidence is currently insufficient to determine the role of this variant in disease. Therefore, it has been classified as a Variant of Uncertain Significance.